The following is an entry in ClinVar:

ClinVar aggregate classification (germline): Conflicting classifications of pathogenicity. Review status: criteria provided, conflicting classifications (1 of 4 stars). 2 submissions from 2 submitters: Uncertain significance (1); Likely benign (1). Last evaluated 2025-08-16.

Conditions:
Inborn genetic diseases. Identifiers: MedGen C0950123, MeSH D030342.

gnomAD v4.1: 158 of 1,613,120 alleles (0.0098%); highest among the groups gnomAD compares: East Asian, 0.35%; no homozygotes.

Submissions (2):

Labcorp Genetics (formerly Invitae), Labcorp
Classification: Uncertain significance. Last evaluated: 2025-08-16. Review status: criteria provided, single submitter. Criteria: Invitae Variant Classification Sherloc (09022015). Collection method: clinical testing. Allele origin: germline.
Comment: This sequence change replaces arginine, which is basic and polar, with lysine, which is basic and polar, at codon 676 of the DLL4 protein (p.Arg676Lys). This variant is present in population databases (rs200998312, gnomAD 0.07%), and has an allele count higher than expected for a pathogenic variant. This variant has not been reported in the literature in individuals affected with DLL4-related conditions. ClinVar contains an entry for this variant (Variation ID: 4012148). Invitae Evidence Modeling of protein sequence and biophysical properties (such as structural, functional, and spatial information, amino acid conservation, physicochemical variation, residue mobility, and thermodynamic stability) indicates that this missense variant is not expected to disrupt DLL4 protein function with a negative predictive value of 80%. In summary, the available evidence is currently insufficient to determine the role of this variant in disease. Therefore, it has been classified as a Variant of Uncertain Significance.

Ambry Genetics
Classification: Likely benign for Inborn genetic diseases. Last evaluated: 2025-04-20. Review status: criteria provided, single submitter. Criteria: Ambry Variant Classification Scheme 2023. Collection method: clinical testing. Allele origin: germline.

NM_019074.4(DLL4):c.2027G>A (p.Arg676Lys)

Gene: DLL4 (delta like canonical Notch ligand 4; plus strand). Cytogenetic location: 15q15.1.
Variant type: single nucleotide variant.
Coding change: c.2027G>A on transcript NM_019074.4 (MANE Select); coding-DNA position 2027, G replaced by A.
Protein change: p.Arg676Lys; replaces arginine 676 with lysine.
Molecular consequence: missense variant.
Genome position (GRCh38, 1-based): chr15:40,937,501, G>A. VCF-style: chr15-40937501-G-A. GRCh37 (hg19) VCF-style: chr15-41229699-G-A.
Other names: short protein forms R676K.
Identifiers: ClinVar variation 4012148 (VCV004012148.2).